The following is an entry in ClinVar:

ClinVar aggregate classification (germline): Benign/Likely benign. Review status: criteria provided, multiple submitters, no conflicts (2 of 4 stars). 6 submissions from 6 submitters: Benign (2); Likely benign (3). 1 of the submissions does not count toward it. Last evaluated 2026-01-19.

Conditions:
Hereditary cancer-predisposing syndrome. Also called: Tumor predisposition; Hereditary neoplastic syndrome; Hereditary Cancer Syndrome; Neoplastic Syndromes, Hereditary. Identifiers: Orphanet 140162, MedGen C0027672, MeSH D009386, MONDO:0015356.
Gorlin syndrome. Also called: Basal cell nevus syndrome; Nevoid Basal Cell Carcinoma Syndrome. Identifiers: Orphanet 377, MedGen C0004779, MONDO:0007187.

Allele frequency attached by ClinVar (database versions not stated): gnomAD 0.00001 and 0.00015; TOPMed 0.00002; ExAC 0.00046; 1000 Genomes Project 30x 0.00078; 1000 Genomes Project 0.00080.
gnomAD v4.1: 292 of 1,613,266 alleles (0.018%); highest among the groups gnomAD compares: South Asian, 0.29%; 1 homozygote.

Submissions (6):

Labcorp Genetics (formerly Invitae), Labcorp
Classification: Benign for Gorlin syndrome. Last evaluated: 2026-01-19. Review status: criteria provided, single submitter. Criteria: Invitae Variant Classification Sherloc (09022015). Collection method: clinical testing. Allele origin: germline.

CeGaT Center for Human Genetics Tuebingen
Classification: Likely benign. Last evaluated: 2024-07-01. Review status: criteria provided, single submitter. Criteria: CeGaT Center For Human Genetics Tuebingen Variant Classification Criteria Version 2. Collection method: clinical testing. Allele origin: germline. Affected: yes. Observed: 1 variant allele.
Comment: PTCH1: BS1

KCCC/NGS Laboratory, Kuwait Cancer Control Center
Classification: Likely benign for Basal cell nevus syndrome 1. Last evaluated: 2023-07-07. Review status: criteria provided, single submitter. Criteria: ACMG Guidelines, 2015. Collection method: clinical testing. Allele origin: germline. Affected: yes.

Quest Diagnostics Nichols Institute San Juan Capistrano
Classification: Benign. Last evaluated: 2021-05-05. Review status: criteria provided, single submitter. Criteria: Quest Diagnostics criteria. Collection method: clinical testing. Allele origin: unknown.

Ambry Genetics
Classification: Likely benign for Hereditary cancer-predisposing syndrome. Last evaluated: 2018-05-09. Review status: criteria provided, single submitter. Criteria: Ambry Variant Classification Scheme 2023. Collection method: clinical testing. Allele origin: germline.

ITMI
No classification provided. Condition: AllHighlyPenetrant. Last evaluated: 2013-09-19. Review status: no classification provided. Collection method: reference population. Allele origin: germline. Not counted in ClinVar's aggregate classification.
Comment: Please see associated publication for description of ethnicities

Literature cited by the submitters: PubMed 24728327 (cited by Quest Diagnostics Nichols Institute San Juan Capistrano and ITMI); PubMed 32238911 (cited by Quest Diagnostics Nichols Institute San Juan Capistrano).

NM_000264.5(PTCH1):c.3940C>T (p.Pro1314Ser)

Gene: PTCH1 (patched 1; minus strand). Cytogenetic location: 9q22.32.
Variant type: single nucleotide variant.
Coding change: c.3940C>T on transcript NM_000264.5 (MANE Select); coding-DNA position 3940, C replaced by T.
Protein change: p.Pro1314Ser; replaces proline 1314 with serine.
Molecular consequence: missense variant. On other transcripts: non-coding transcript variant (1).
Genome position (GRCh38, 1-based): chr9:95,447,316, G>A on the plus strand (C>T on the coding strand, the complement: PTCH1 is on the minus strand). VCF-style: chr9-95447316-G-A. GRCh37 (hg19) VCF-style: chr9-98209598-G-A.
Other names: c.3742C>T, p.Pro1248Ser (NM_001083602.3); c.3937C>T, p.Pro1313Ser (NM_001083603.3); c.3487C>T, p.Pro1163Ser (NM_001083604.3, NM_001083605.3, NM_001083606.3 and 1 more transcripts); c.3784C>T, p.Pro1262Ser (NM_001354918.2); short protein forms P1248S, P1314S, P1163S, P1313S, P1262S.
Identifiers: ClinVar variation 135103 (VCV000135103.35), dbSNP rs574856671, ClinGen allele CA161724.